The following is an entry in ClinVar:

ClinVar aggregate classification (germline): Likely benign (1 of 4 stars; one submission).

Allele frequency attached by ClinVar (database versions not stated): gnomAD exomes 0.00002; TOPMed 0.00003; ExAC 0.00012.
gnomAD v4.1: 14 of 673,368 alleles (0.0021%); highest among the groups gnomAD compares: East Asian, 0.0028%; no homozygotes.

Submission:

CeGaT Center for Human Genetics Tuebingen
Classification: Likely benign. Last evaluated: 2024-04-01. Review status: criteria provided, single submitter. Criteria: CeGaT Center For Human Genetics Tuebingen Variant Classification Criteria Version 2. Collection method: clinical testing. Allele origin: germline. Affected: yes. Observed: 1 variant allele.
Comment: LITAF: BP4, BP7

NM_001136472.2(LITAF):c.377+1747G>A

Gene: LITAF (lipopolysaccharide induced TNF factor; minus strand). Cytogenetic location: 16p13.13.
Variant type: single nucleotide variant.
Coding change: c.377+1747G>A on transcript NM_001136472.2 (MANE Select); 1747 bases into the intron after coding-DNA position 377, G replaced by A.
Molecular consequence: intron variant. On other transcripts: synonymous variant (1).
Genome position (GRCh38, 1-based): chr16:11,551,786, C>T on the plus strand (G>A on the coding strand, the complement: LITAF is on the minus strand). VCF-style: chr16-11551786-C-T. GRCh37 (hg19) VCF-style: chr16-11645642-C-T.
Other names: c.396G>A, p.Thr132= (NM_001136473.1); c.377+1747G>A (NM_004862.4).
Identifiers: ClinVar variation 3234255 (VCV003234255.20), dbSNP rs753830914, ClinGen allele CA7904064.